The following is an entry in ClinVar:

ClinVar aggregate classification (germline): Conflicting classifications of pathogenicity. Review status: criteria provided, conflicting classifications (1 of 4 stars). 2 submissions from 2 submitters: Uncertain significance (1); Likely benign (1). Last evaluated 2024-10-19.

Conditions:
Inborn genetic diseases. Identifiers: MedGen C0950123, MeSH D030342.

Allele frequency attached by ClinVar (database versions not stated): ExAC 0.00001; gnomAD exomes 0.00002 and 0.00004; gnomAD 0.00004 and 0.00005; TOPMed 0.00004; 1000 Genomes Project 30x 0.00016; 1000 Genomes Project 0.00020.
gnomAD v4.1: 67 of 1,614,192 alleles (0.0042%); highest among the groups gnomAD compares: Non-Finnish European, 0.0053%; no homozygotes.

Submissions (2):

Ambry Genetics
Classification: Likely benign for Inborn genetic diseases. Last evaluated: 2024-10-19. Review status: criteria provided, single submitter. Criteria: Ambry Variant Classification Scheme 2023. Collection method: clinical testing. Allele origin: germline.

Labcorp Genetics (formerly Invitae), Labcorp
Classification: Uncertain significance. Last evaluated: 2023-08-24. Review status: criteria provided, single submitter. Criteria: Invitae Variant Classification Sherloc (09022015). Collection method: clinical testing. Allele origin: germline.
Comment: This sequence change replaces arginine, which is basic and polar, with glutamine, which is neutral and polar, at codon 108 of the RORB protein (p.Arg108Gln). This variant is present in population databases (rs202240086, gnomAD 0.004%). This variant has not been reported in the literature in individuals affected with RORB-related conditions. ClinVar contains an entry for this variant (Variation ID: 1398233). An algorithm developed to predict the effect of missense changes on protein structure and function (PolyPhen-2) suggests that this variant is likely to be tolerated. In summary, the available evidence is currently insufficient to determine the role of this variant in disease. Therefore, it has been classified as a Variant of Uncertain Significance.

NM_006914.4(RORB):c.323G>A (p.Arg108Gln)

Gene: RORB (RAR related orphan receptor B; plus strand). Cytogenetic location: 9q21.13.
Variant type: single nucleotide variant.
Coding change: c.323G>A on transcript NM_006914.4 (MANE Select); coding-DNA position 323, G replaced by A.
Protein change: p.Arg108Gln; replaces arginine 108 with glutamine.
Molecular consequence: missense variant.
Genome position (GRCh38, 1-based): chr9:74,642,501, G>A. VCF-style: chr9-74642501-G-A. GRCh37 (hg19) VCF-style: chr9-77257417-G-A.
Other names: c.356G>A, p.Arg119Gln (NM_001365023.1); c.323G>A (NM_006914.3); short protein forms R119Q, R108Q.
Identifiers: ClinVar variation 1398233 (VCV001398233.7), dbSNP rs202240086, ClinGen allele CA5083345.